The following is an entry in ClinVar:

ClinVar aggregate classification (germline): Benign (1 of 4 stars; one submission).

Allele frequency attached by ClinVar (database versions not stated): 1000 Genomes Project 30x 0.35681; 1000 Genomes Project 0.35863; TOPMed 0.40386; gnomAD 0.42077 and 0.42197.
gnomAD v4.1: 63,826 of 151,760 alleles (42%); highest among the groups gnomAD compares: Non-Finnish European, 49%; 14,093 homozygotes.

Submission:

GeneDx
Classification: Benign. Last evaluated: 2018-06-16. Review status: criteria provided, single submitter. Criteria: GeneDx Variant Classification (06012015). Collection method: clinical testing. Allele origin: germline. Affected: yes.
Comment: This variant is considered likely benign or benign based on one or more of the following criteria: it is a conservative change, it occurs at a poorly conserved position in the protein, it is predicted to be benign by multiple in silico algorithms, and/or has population frequency not consistent with disease.

NM_032578.4(MYPN):c.3159-197A>G

Gene: MYPN (myopalladin; plus strand). Cytogenetic location: 10q21.3.
Variant type: single nucleotide variant.
Coding change: c.3159-197A>G on transcript NM_032578.4 (MANE Select); 197 bases into the intron before coding-DNA position 3159, A replaced by G.
Molecular consequence: intron variant.
Genome position (GRCh38, 1-based): chr10:68,197,155, A>G. VCF-style: chr10-68197155-A-G. GRCh37 (hg19) VCF-style: chr10-69956912-A-G.
Other names: c.3159-197A>G (NM_001256267.2); c.2277-197A>G (NM_001256268.2).
Identifiers: ClinVar variation 672870 (VCV000672870.1), dbSNP rs7094660, ClinGen allele CA13193341.